The following is an entry in ClinVar:

NM_004525.3(LRP2):c.8184C>T (p.Gly2728=)

Gene: LRP2 (LDL receptor related protein 2; minus strand). Cytogenetic location: 2q31.1.
Variant type: single nucleotide variant.
Coding change: c.8184C>T on transcript NM_004525.3 (MANE Select); coding-DNA position 8184, C replaced by T.
Protein change: p.Gly2728=; no amino-acid change (glycine 2728 retained).
Molecular consequence: synonymous variant.
Genome position (GRCh38, 1-based): chr2:169,202,781, G>A on the plus strand (C>T on the coding strand, the complement: LRP2 is on the minus strand). VCF-style: chr2-169202781-G-A. GRCh37 (hg19) VCF-style: chr2-170059291-G-A.
Identifiers: ClinVar variation 2144184 (VCV002144184.2), dbSNP rs755712695, ClinGen allele CA1953922.
Genomic context (GRCh38, chr2:169,202,781, plus strand): 5'-TAGCTCCTACCAAAAGCGCCAAGAGTCCAACTCACCACAGACACTTTCCATCTCATCACT[G>A]CCATCCCCACAGTCGTTGTCATTATCACACTTCCACTCTTCCGAGATGCAGCGCCCATTG-3'
Protein context (NP_004516.2, residues 2718-2738): KCDNDNDCGD[Gly2728=]SDEMESVCAL

ClinVar aggregate classification (germline): Conflicting classifications of pathogenicity. Review status: criteria provided, conflicting classifications (1 of 4 stars). 2 submissions from 2 submitters: Uncertain significance (1); Likely benign (1). Last evaluated 2024-11-08.

Allele frequency attached by ClinVar (database versions not stated): TOPMed 0.00001; gnomAD exomes 0.00002; ExAC 0.00003.
gnomAD v4.1: 23 of 1,614,134 alleles (0.0014%); highest among the groups gnomAD compares: Middle Eastern, 0.066%; no homozygotes.

Submissions (2):

Blueprint Genetics
Classification: Likely benign. Last evaluated: 2024-11-08. Review status: criteria provided, single submitter. Criteria: ACMG Guidelines, 2015. Collection method: clinical testing. Allele origin: germline.

Labcorp Genetics (formerly Invitae), Labcorp
Classification: Uncertain significance. Last evaluated: 2022-07-28. Review status: criteria provided, single submitter. Criteria: Invitae Variant Classification Sherloc (09022015). Collection method: clinical testing. Allele origin: germline.
Comment: This sequence change affects codon 2728 of the LRP2 mRNA. It is a 'silent' change, meaning that it does not change the encoded amino acid sequence of the LRP2 protein. This variant is present in population databases (rs755712695, gnomAD 0.01%). This variant has not been reported in the literature in individuals affected with LRP2-related conditions. Algorithms developed to predict the effect of sequence changes on RNA splicing suggest that this variant is not likely to affect RNA splicing. In summary, the available evidence is currently insufficient to determine the role of this variant in disease. Therefore, it has been classified as a Variant of Uncertain Significance.